The following is an entry in ClinVar:

NM_004304.5(ALK):c.889G>C (p.Glu297Gln)

Gene: ALK (ALK receptor tyrosine kinase; minus strand). Cytogenetic location: 2p23.2.
Variant type: single nucleotide variant.
Coding change: c.889G>C on transcript NM_004304.5 (MANE Select); coding-DNA position 889, G replaced by C.
Protein change: p.Glu297Gln; replaces glutamic acid 297 with glutamine.
Molecular consequence: missense variant.
Genome position (GRCh38, 1-based): chr2:29,694,913, C>G on the plus strand (G>C on the coding strand, the complement: ALK is on the minus strand). VCF-style: chr2-29694913-C-G. GRCh37 (hg19) VCF-style: chr2-29917779-C-G.
Other names: short protein forms E297Q.
Identifiers: ClinVar variation 2562269 (VCV002562269.4), dbSNP rs2148289760, ClinGen allele CA346586932.

ClinVar aggregate classification (germline): Uncertain significance. Review status: criteria provided, multiple submitters, no conflicts (2 of 4 stars). 2 submissions from 2 submitters: Uncertain significance (2). Last evaluated 2024-10-10.

Conditions:
Hereditary cancer-predisposing syndrome. Also called: Tumor predisposition; Hereditary neoplastic syndrome; Neoplastic Syndromes, Hereditary; Hereditary Cancer Syndrome. Identifiers: Orphanet 140162, MedGen C0027672, MeSH D009386, MONDO:0015356.
Neuroblastoma, susceptibility to, 3. Also called: ALK-Related Neuroblastic Tumor Susceptibility. Identifiers: Orphanet 635, MedGen C2751681, MONDO:0013083, OMIM 613014.

Allele frequency attached by ClinVar (database versions not stated): gnomAD exomes below 0.00001.
gnomAD v4.1: 1 of 1,614,116 alleles (0.000062%); highest among the groups gnomAD compares: Middle Eastern, 0.017%; no homozygotes.

Submissions (2):

Labcorp Genetics (formerly Invitae), Labcorp
Classification: Uncertain significance for Neuroblastoma, susceptibility to, 3. Last evaluated: 2024-10-10. Review status: criteria provided, single submitter. Criteria: Invitae Variant Classification Sherloc (09022015). Collection method: clinical testing. Allele origin: germline.
Comment: This sequence change replaces glutamic acid, which is acidic and polar, with glutamine, which is neutral and polar, at codon 297 of the ALK protein (p.Glu297Gln). This variant is not present in population databases (gnomAD no frequency). This variant has not been reported in the literature in individuals affected with ALK-related conditions. ClinVar contains an entry for this variant (Variation ID: 2562269). An algorithm developed to predict the effect of missense changes on protein structure and function (PolyPhen-2) suggests that this variant is likely to be disruptive. In summary, the available evidence is currently insufficient to determine the role of this variant in disease. Therefore, it has been classified as a Variant of Uncertain Significance.

Ambry Genetics
Classification: Uncertain significance for Hereditary cancer-predisposing syndrome. Last evaluated: 2023-03-25. Review status: criteria provided, single submitter. Criteria: Ambry Variant Classification Scheme 2023. Collection method: clinical testing. Allele origin: germline.
Comment: The p.E297Q variant (also known as c.889G>C), located in coding exon 3 of the ALK gene, results from a G to C substitution at nucleotide position 889. The glutamic acid at codon 297 is replaced by glutamine, an amino acid with highly similar properties. This amino acid position is conserved. In addition, this alteration is predicted to be tolerated by in silico analysis. Since supporting evidence is limited at this time, the clinical significance of this alteration remains unclear.